The following is an entry in ClinVar:

NM_003922.4(HERC1):c.13295A>G (p.Asn4432Ser)

Gene: HERC1 (HECT and RLD domain containing E3 ubiquitin protein ligase family member 1; minus strand). Cytogenetic location: 15q22.31.
Variant type: single nucleotide variant.
Coding change: c.13295A>G on transcript NM_003922.4 (MANE Select); coding-DNA position 13295, A replaced by G.
Protein change: p.Asn4432Ser; replaces asparagine 4432 with serine.
Molecular consequence: missense variant.
Genome position (GRCh38, 1-based): chr15:63,624,308, T>C on the plus strand (A>G on the coding strand, the complement: HERC1 is on the minus strand). VCF-style: chr15-63624308-T-C. GRCh37 (hg19) VCF-style: chr15-63916507-T-C.
Other names: short protein forms N4432S.
Identifiers: ClinVar variation 1318961 (VCV001318961.3), dbSNP rs200325012, ClinGen allele CA7603765.

ClinVar aggregate classification (germline): Uncertain significance (1 of 4 stars; one submission).

Allele frequency attached by ClinVar (database versions not stated): gnomAD exomes below 0.00001 and 0.00003; TOPMed below 0.00001; ExAC 0.00001; gnomAD 0.00001.
gnomAD v4.1: 42 of 1,610,640 alleles (0.0026%); highest among the groups gnomAD compares: Non-Finnish European, 0.0035%; no homozygotes.

Submission:

GeneDx
Classification: Uncertain significance. Last evaluated: 2025-06-26. Review status: criteria provided, single submitter. Criteria: GeneDx Variant Classification Process June 2021. Collection method: clinical testing. Allele origin: germline. Affected: yes.
Comment: Not observed at significant frequency in large population cohorts (gnomAD); In silico analysis suggests that this missense variant does not alter protein structure/function; Has not been previously published as pathogenic or benign to our knowledge